The following is an entry in ClinVar:

NM_021813.4(BACH2):c.2416G>C (p.Glu806Gln)

Gene: BACH2 (BTB domain and CNC homolog 2; minus strand). Cytogenetic location: 6q15.
Variant type: single nucleotide variant.
Coding change: c.2416G>C on transcript NM_021813.4 (MANE Select); coding-DNA position 2416, G replaced by C.
Protein change: p.Glu806Gln; replaces glutamic acid 806 with glutamine.
Molecular consequence: missense variant.
Genome position (GRCh38, 1-based): chr6:89,932,518, C>G on the plus strand (G>C on the coding strand, the complement: BACH2 is on the minus strand). VCF-style: chr6-89932518-C-G. GRCh37 (hg19) VCF-style: chr6-90642237-C-G.
Other names: c.2416G>C, p.Glu806Gln (NM_001170794.2); short protein forms E806Q.
Identifiers: ClinVar variation 2671738 (VCV002671738.1), dbSNP rs2533537065, ClinGen allele CA365026931.

ClinVar aggregate classification (germline): Uncertain significance (1 of 4 stars; one submission).

Conditions:
Immunodeficiency 60. Also called: IMMUNODEFICIENCY AND AUTOIMMUNITY, BACH2-RELATED; IMMUNODEFICIENCY 60 AND AUTOIMMUNITY. Identifiers: MedGen C5193072, MONDO:0032723, OMIM 618394.

Allele frequency attached by ClinVar (database versions not stated): gnomAD exomes below 0.00001.
gnomAD v4.1: 3 of 1,614,096 alleles (0.00019%); highest among the groups gnomAD compares: South Asian, 0.0033%; no homozygotes.

Submission:

Neuberg Centre For Genomic Medicine, NCGM
Classification: Uncertain significance for Immunodeficiency 60. Last evaluated: 2023-02-14. Review status: criteria provided, single submitter. Criteria: ACMG Guidelines, 2015. Collection method: clinical testing. Allele origin: germline. Inheritance: Autosomal dominant inheritance. Affected: yes.
Comment: The missense variant c.2416G>C(p.Glu806Gln) in BACH2 gene has not been reported previously as a pathogenic variant nor as a benign variant, to our knowledge. The variant is novel (not in any individuals) in gnomAD Exomes and 1000 Genomes. The amino acid Glutamic acid at position 806 is changed to a Glutamine changing protein sequence and it might alter its composition and physico-chemical properties. The amino acid change p.Glu806Gln in BACH2 is predicted as conserved by GERP++ and PhyloP across 100 vertebrates. For these reasons, this variant has been classified as Uncertain Significance.